The following is an entry in ClinVar:

NM_006206.6(PDGFRA):c.1367G>A (p.Cys456Tyr)

Gene: PDGFRA (platelet derived growth factor receptor alpha; plus strand). Cytogenetic location: 4q12.
Variant type: single nucleotide variant.
Coding change: c.1367G>A on transcript NM_006206.6 (MANE Select); coding-DNA position 1367, G replaced by A.
Protein change: p.Cys456Tyr; replaces cysteine 456 with tyrosine.
Molecular consequence: missense variant.
Genome position (GRCh38, 1-based): chr4:54,273,539, G>A. VCF-style: chr4-54273539-G-A. GRCh37 (hg19) VCF-style: chr4-55139706-G-A.
Other names: c.1367G>A, p.Cys456Tyr (NM_001347827.2, NM_001347829.2); c.1442G>A, p.Cys481Tyr (NM_001347828.2); c.1406G>A, p.Cys469Tyr (NM_001347830.2); short protein forms C456Y, C481Y, C469Y.
Identifiers: ClinVar variation 528503 (VCV000528503.9), dbSNP rs761185076, ClinGen allele CA356892418.
Genomic context (GRCh38, chr4:54,273,539, plus strand): 5'-CACTCATTGCCATGACTCTCAGGAATTGGCCCTATACTTAGGCCCTTTTTCTCTCTAGAT[G>A]TAATAATGAAACTTCCTGGACTATTTTGGCCAACAATGTCTCAAACATCATCACGGAGAT-3'
Protein context (NP_006197.1, residues 446-466): EWMICKDIKK[Cys456Tyr]NNETSWTILA

ClinVar aggregate classification (germline): Uncertain significance (1 of 4 stars; one submission).

Conditions:
Gastrointestinal stromal tumor. Also called: Gastrointestinal stroma tumor; Gastrointestinal stromal tumor, somatic. Identifiers: Orphanet 44890, MedGen C0238198, MeSH D046152, MONDO:0011719, OMIM 606764, HP:0100723.

Submission:

Labcorp Genetics (formerly Invitae), Labcorp
Classification: Uncertain significance for Gastrointestinal stromal tumor. Last evaluated: 2023-12-28. Review status: criteria provided, single submitter. Criteria: Invitae Variant Classification Sherloc (09022015). Collection method: clinical testing. Allele origin: germline.
Comment: This sequence change replaces cysteine, which is neutral and slightly polar, with tyrosine, which is neutral and polar, at codon 456 of the PDGFRA protein (p.Cys456Tyr). This variant is not present in population databases (gnomAD no frequency). This variant has not been reported in the literature in individuals affected with PDGFRA-related conditions. ClinVar contains an entry for this variant (Variation ID: 528503). An algorithm developed to predict the effect of missense changes on protein structure and function (PolyPhen-2) suggests that this variant is likely to be disruptive. In summary, the available evidence is currently insufficient to determine the role of this variant in disease. Therefore, it has been classified as a Variant of Uncertain Significance.